The following is an entry in ClinVar:

ClinVar aggregate classification (germline): Uncertain significance (1 of 4 stars; one submission).

Conditions:
Cardiovascular phenotype. Identifiers: MedGen CN230736.

Submission:

Ambry Genetics
Classification: Uncertain significance for Cardiovascular phenotype. Last evaluated: 2026-07-07. Review status: criteria provided, single submitter. Criteria: Ambry Variant Classification Scheme 2023. Collection method: clinical testing. Allele origin: germline.
Comment: The p.G1158V variant (also known as c.3473G>T), located in coding exon 22 of the APOB gene, results from a G to T substitution at nucleotide position 3473. The glycine at codon 1158 is replaced by valine, an amino acid with dissimilar properties. This amino acid position is conserved. In addition, this alteration is predicted to be tolerated by in silico analysis. Based on the available evidence, the clinical significance of this variant remains unclear.

NM_000384.3(APOB):c.3473G>T (p.Gly1158Val)

Gene: APOB (apolipoprotein B; minus strand). Cytogenetic location: 2p24.1.
Variant type: single nucleotide variant.
Coding change: c.3473G>T on transcript NM_000384.3 (MANE Select); coding-DNA position 3473, G replaced by T.
Protein change: p.Gly1158Val; replaces glycine 1158 with valine.
Molecular consequence: missense variant.
Genome position (GRCh38, 1-based): chr2:21,015,405, C>A on the plus strand (G>T on the coding strand, the complement: APOB is on the minus strand). VCF-style: chr2-21015405-C-A. GRCh37 (hg19) VCF-style: chr2-21238277-C-A.
Other names: short protein forms G1158V.
Identifiers: ClinVar variation 5027565 (VCV005027565.1).